The following is an entry in ClinVar:

ClinVar aggregate classification (germline): Uncertain significance (1 of 4 stars; one submission).

Submission:

Labcorp Genetics (formerly Invitae), Labcorp
Classification: Uncertain significance. Last evaluated: 2022-09-15. Review status: criteria provided, single submitter. Criteria: Invitae Variant Classification Sherloc (09022015). Collection method: clinical testing. Allele origin: germline.
Comment: This variant is present in population databases (no rsID available, gnomAD 0.02%). In summary, the available evidence is currently insufficient to determine the role of this variant in disease. Therefore, it has been classified as a Variant of Uncertain Significance. This variant has not been reported in the literature in individuals affected with GAS1-related conditions. This variant, c.964_966dup, results in the insertion of 1 amino acid(s) of the GAS1 protein (p.Gly322dup), but otherwise preserves the integrity of the reading frame.

NM_002048.3(GAS1):c.955GGC[5] (p.Gly322_Arg323insGly)

Gene: GAS1 (growth arrest specific 1; minus strand). Cytogenetic location: 9q21.33.
Variant type: Microsatellite.
Coding change: c.955GGC[5] on transcript NM_002048.3 (MANE Select); five copies in a row of the 3-base unit GGC starting at c.955; the reference has four copies in a row; one copy, 3 bases duplicated.
Protein change: p.Gly322_Arg323insGly.
Molecular consequence: inframe insertion.
Genome position (GRCh38, 1-based): chr9:86,945,814-86,945,816, GCC duplicated on the plus strand (GGC on the coding strand, the reverse complement: GAS1 is on the minus strand); duplicating any 3 consecutive bases within chr9:86,945,814-86,945,827 gives the same sequence; the position shown is the placement nearest the transcript's 3' end. VCF-style (leftmost placement, unchanged base first): chr9-86945813-G-GGCC. GRCh37 (hg19) VCF-style: chr9-89560728-G-GGCC.
Identifiers: ClinVar variation 1948507 (VCV001948507.5), dbSNP rs765012950, ClinGen allele CA589125401.